The following is an entry in ClinVar:

ClinVar aggregate classification (germline): Likely benign. Review status: criteria provided, multiple submitters, no conflicts (2 of 4 stars). 3 submissions from 3 submitters: Likely benign (2). 1 of the submissions does not count toward it. Last evaluated 2025-12-28.

Conditions:
INF2-related disorder. Also called: INF2-related condition.
Focal segmental glomerulosclerosis 5 (FSGS5). Identifiers: Orphanet 656, MedGen C2750475, MONDO:0013191, OMIM 613237.
Charcot-Marie-Tooth disease dominant intermediate E. Also called: CHARCOT-MARIE-TOOTH NEUROPATHY WITH FOCAL SEGMENTAL GLOMERULONEPHRITIS. Identifiers: Orphanet 93114, MedGen C4302667, MONDO:0013758, OMIM 614455.

Allele frequency attached by ClinVar (database versions not stated): gnomAD 0.00001; gnomAD exomes 0.00001 and 0.00002; TOPMed 0.00002; ExAC 0.00003; 1000 Genomes Project 30x 0.00016; 1000 Genomes Project 0.00020.
gnomAD v4.1: 5 of 1,595,946 alleles (0.00031%); highest among the groups gnomAD compares: East Asian, 0.011%; no homozygotes.

Submissions (3):

Labcorp Genetics (formerly Invitae), Labcorp
Classification: Likely benign for Charcot-Marie-Tooth disease dominant intermediate E; Focal segmental glomerulosclerosis 5. Last evaluated: 2025-12-28. Review status: criteria provided, single submitter. Criteria: Invitae Variant Classification Sherloc (09022015). Collection method: clinical testing. Allele origin: germline.

Fulgent Genetics
Classification: Likely benign for Focal segmental glomerulosclerosis 5; Charcot-Marie-Tooth disease dominant intermediate E. Last evaluated: 2024-06-18. Review status: criteria provided, single submitter. Criteria: ACMG Guidelines, 2015. Collection method: clinical testing. Allele origin: germline.

PreventionGenetics, part of Exact Sciences
Classification: Likely benign for INF2-related condition. Last evaluated: 2019-03-27. Review status: no assertion criteria provided. Collection method: clinical testing. Allele origin: germline. Not counted in ClinVar's aggregate classification.
Comment: This variant is classified as likely benign based on ACMG/AMP sequence variant interpretation guidelines (Richards et al. 2015 PMID: 25741868, with internal and published modifications).

NM_022489.4(INF2):c.288G>C (p.Leu96=)

Gene: INF2 (inverted formin 2; plus strand). Cytogenetic location: 14q32.33.
Variant type: single nucleotide variant.
Coding change: c.288G>C on transcript NM_022489.4 (MANE Select); coding-DNA position 288, G replaced by C.
Protein change: p.Leu96=; no amino-acid change (leucine 96 retained).
Molecular consequence: synonymous variant.
Genome position (GRCh38, 1-based): chr14:104,701,653, G>C. VCF-style: chr14-104701653-G-C. GRCh37 (hg19) VCF-style: chr14-105167990-G-C.
Other names: c.288G>C (NM_022489.3); c.288G>C, p.Leu96= (NM_001031714.4, NM_032714.3).
Identifiers: ClinVar variation 1112145 (VCV001112145.12), dbSNP rs557082203, ClinGen allele CA7372261.